The following is an entry in ClinVar:

NM_001144888.2(BAIAP2):c.1566G>A (p.Pro522=)

Gene: BAIAP2 (BAR/IMD domain containing adaptor protein 2; plus strand). Cytogenetic location: 17q25.3.
Variant type: single nucleotide variant.
Coding change: c.1566G>A on transcript NM_001144888.2 (MANE Select); coding-DNA position 1566, G replaced by A.
Protein change: p.Pro522=; no amino-acid change (proline 522 retained).
Molecular consequence: synonymous variant. On other transcripts: 3 prime UTR variant (1).
Genome position (GRCh38, 1-based): chr17:81,115,800, G>A. VCF-style: chr17-81115800-G-A. GRCh37 (hg19) VCF-style: chr17-79089600-G-A.
Other names: c.*49G>A (NM_006340.3); c.1566G>A, p.Pro522= (NM_017451.3).
Identifiers: ClinVar variation 781873 (VCV000781873.7), dbSNP rs117102084, ClinGen allele CA8827348.

ClinVar aggregate classification (germline): Benign/Likely benign. Review status: criteria provided, multiple submitters, no conflicts (2 of 4 stars). 3 submissions from 3 submitters: Benign (2); Likely benign (1). Last evaluated 2026-06-01.

Allele frequency attached by ClinVar (database versions not stated): 1000 Genomes Project 0.00399; 1000 Genomes Project 30x 0.00406; gnomAD 0.00720 and 0.00737; gnomAD exomes 0.00792; TOPMed 0.00502; ESP Exome Variant Server 0.00554; ExAC 0.00684.
gnomAD v4.1: 11,917 of 1,613,550 alleles (0.74%); highest among the groups gnomAD compares: Admixed American, 0.81%; 83 homozygotes.

Submissions (3):

CeGaT Center for Human Genetics Tuebingen
Classification: Likely benign. Last evaluated: 2026-06-01. Review status: criteria provided, single submitter. Criteria: CeGaT Center For Human Genetics Tuebingen Variant Classification Criteria Version 2. Collection method: clinical testing. Allele origin: germline. Affected: yes. Observed: 1 variant allele.
Comment: BAIAP2: BP4, BP7, BS2

Labcorp Genetics (formerly Invitae), Labcorp
Classification: Benign. Last evaluated: 2019-12-31. Review status: criteria provided, single submitter. Criteria: Invitae Variant Classification Sherloc (09022015). Collection method: clinical testing. Allele origin: germline.

Breakthrough Genomics
Classification: Benign. Review status: criteria provided, single submitter. Criteria: ACMG Guidelines, 2015. Collection method: not provided. Allele origin: germline. Inheritance: Unknown mechanism. Affected: yes.